The following is an entry in ClinVar:

ClinVar aggregate classification (germline): Conflicting classifications of pathogenicity. Review status: criteria provided, conflicting classifications (1 of 4 stars). 7 submissions from 6 submitters: Uncertain significance (3); Benign (1); Likely benign (2). 1 of the submissions does not count toward it. Last evaluated 2025-12-24.

Conditions:
ELN-related disorder.
Cardiomyopathy (CMYO). Also called: Cardiomyopathies. Identifiers: Orphanet 167848, MedGen C0878544, MONDO:0004994, HP:0001638. Inheritance: Various modes of inheritance.
Supravalvar aortic stenosis (SVAS). Also called: Supravalvar aortic stenosis, Eisenberg type. Identifiers: Orphanet 3193, MedGen C0003499, MONDO:0008504, OMIM 185500, HP:0004381.
Cutis laxa, autosomal dominant 1 (ADCL1). Also called: ELN-Related Cutis Laxa. Identifiers: Orphanet 90348, MedGen C3276539, MONDO:0007411, OMIM 123700. Disease mechanism: Dominant Negative.

Allele frequency attached by ClinVar (database versions not stated): ESP Exome Variant Server 0.00031; gnomAD exomes 0.00036 and 0.00042; TOPMed 0.00036; gnomAD 0.00037 and 0.00040; ExAC 0.00040.
gnomAD v4.1: 662 of 1,614,174 alleles (0.041%); highest among the groups gnomAD compares: Non-Finnish European, 0.05%; no homozygotes.

Submissions (7):

Labcorp Genetics (formerly Invitae), Labcorp
Classification: Uncertain significance for Supravalvar aortic stenosis. Last evaluated: 2025-12-24. Review status: criteria provided, single submitter. Criteria: Invitae Variant Classification Sherloc (09022015). Collection method: clinical testing. Allele origin: germline.
Comment: This sequence change replaces glycine, which is neutral and non-polar, with aspartic acid, which is acidic and polar, at codon 109 of the ELN protein (p.Gly109Asp). This variant is present in population databases (rs145519139, gnomAD 0.06%), and has an allele count higher than expected for a pathogenic variant. This variant has not been reported in the literature in individuals affected with ELN-related conditions. ClinVar contains an entry for this variant (Variation ID: 213171). Experimental studies and prediction algorithms are not available or were not evaluated, and the functional significance of this variant is currently unknown. In summary, the available evidence is currently insufficient to determine the role of this variant in disease. Therefore, it has been classified as a Variant of Uncertain Significance.

Petrovsky National Research Centre of Surgery, The Federal Agency for Scientific Organizations
Classification: Uncertain significance for Cardiomyopathy. Last evaluated: 2025-11-18. Review status: criteria provided, single submitter. Criteria: ACMG Guidelines, 2015. Collection method: clinical testing. Allele origin: germline. Affected: yes.
Comment: The variant is present in The Genome Aggregation Database (gnomAD) v4.1.0 with a total MAF of 0.0004101. In accordance with ACMG (2015) criteria, this variant is classified as Variant of Uncertain Significance (Class III) with the following criteria applied: BS1, PP3_moderate, BP6_supporting.

Blueprint Genetics
Classification: Likely benign. Last evaluated: 2024-11-21. Review status: criteria provided, single submitter. Criteria: ACMG Guidelines, 2015. Collection method: clinical testing. Allele origin: germline.

CeGaT Center for Human Genetics Tuebingen
Classification: Uncertain significance. Last evaluated: 2021-06-01. Review status: criteria provided, single submitter. Criteria: CeGaT Center For Human Genetics Tuebingen Variant Classification Criteria Version 2. Collection method: clinical testing. Allele origin: germline. Affected: yes. Observed: 1 variant allele.

Illumina Laboratory Services, Illumina
Classification: Likely benign for Supravalvar aortic stenosis. Last evaluated: 2018-01-13. Review status: criteria provided, single submitter. Criteria: ICSL Variant Classification Criteria 13 December 2019. Collection method: clinical testing. Allele origin: germline.
Comment: This variant was observed in the ICSL laboratory as part of a predisposition screen in an ostensibly healthy population. It had not been previously curated by ICSL or reported in the Human Gene Mutation Database (HGMD: prior to June 1st, 2018), and was therefore a candidate for classification through an automated scoring system. Utilizing variant allele frequency, disease prevalence and penetrance estimates, and inheritance mode, an automated score was calculated to assess if this variant is too frequent to cause the disease. Based on the score and internal cut-off values, a variant classified as likely benign is not then subjected to further curation. The score for this variant resulted in a classification of likely benign for this disease.

Illumina Laboratory Services, Illumina
Classification: Benign for Cutis laxa, autosomal dominant 1. Last evaluated: 2018-01-13. Review status: criteria provided, single submitter. Criteria: ICSL Variant Classification Criteria 13 December 2019. Collection method: clinical testing. Allele origin: germline.
Comment: This variant was observed in the ICSL laboratory as part of a predisposition screen in an ostensibly healthy population. It had not been previously curated by ICSL or reported in the Human Gene Mutation Database (HGMD: prior to June 1st, 2018), and was therefore a candidate for classification through an automated scoring system. Utilizing variant allele frequency, disease prevalence and penetrance estimates, and inheritance mode, an automated score was calculated to assess if this variant is too frequent to cause the disease. Based on the score and internal cut-off values, a variant classified as benign is not then subjected to further curation. The score for this variant resulted in a classification of benign for this disease.

PreventionGenetics, part of Exact Sciences
Classification: Likely benign for ELN-related condition. Last evaluated: 2024-05-14. Review status: no assertion criteria provided. Collection method: clinical testing. Allele origin: germline. Not counted in ClinVar's aggregate classification.
Comment: This variant is classified as likely benign based on ACMG/AMP sequence variant interpretation guidelines (Richards et al. 2015 PMID: 25741868, with internal and published modifications).

NM_000501.4(ELN):c.326G>A (p.Gly109Asp)

Gene: ELN (elastin; plus strand). Cytogenetic location: 7q11.23.
Variant type: single nucleotide variant.
Coding change: c.326G>A on transcript NM_000501.4 (MANE Select); coding-DNA position 326, G replaced by A.
Protein change: p.Gly109Asp; replaces glycine 109 with aspartic acid.
Molecular consequence: missense variant.
Genome position (GRCh38, 1-based): chr7:74,042,984, G>A. VCF-style: chr7-74042984-G-A. GRCh37 (hg19) VCF-style: chr7-73457314-G-A.
Other names: c.326G>A, p.Gly109Asp (NM_001081754.3, NM_001081755.3, NM_001278912.2 and 4 more transcripts); c.290G>A, p.Gly97Asp (NM_001278913.2); c.296G>A, p.Gly99Asp (NM_001278914.2, NM_001278917.2, NM_001278918.2 and 1 more transcripts); short protein forms G109D, G97D, G99D.
Identifiers: ClinVar variation 213171 (VCV000213171.48), dbSNP rs145519139, ClinGen allele CA320313.